The following is an entry in ClinVar:

NM_016026.4(RDH11):c.790G>T (p.Ala264Ser)

Genes: GPHN (gephyrin; plus strand), RDH11 (retinol dehydrogenase 11; minus strand). Cytogenetic location: 14q24.1.
Variant type: single nucleotide variant.
Coding change: c.790G>T on transcript NM_016026.4 (MANE Select); coding-DNA position 790, G replaced by T.
Protein change: p.Ala264Ser; replaces alanine 264 with serine.
Molecular consequence: missense variant.
Genome position (GRCh38, 1-based): chr14:67,685,079, C>A on the plus strand (G>T on the coding strand, the complement: RDH11 is on the minus strand). VCF-style: chr14-67685079-C-A. GRCh37 (hg19) VCF-style: chr14-68151796-C-A.
Other names: c.580G>T, p.Ala194Ser (NM_001252650.2); short protein forms A194S, A264S.
Identifiers: ClinVar variation 853465 (VCV000853465.9), dbSNP rs758243239, ClinGen allele CA7238295.

ClinVar aggregate classification (germline): Uncertain significance. Review status: criteria provided, multiple submitters, no conflicts (2 of 4 stars). 2 submissions from 2 submitters: Uncertain significance (2). Last evaluated 2024-10-07.

Allele frequency attached by ClinVar (database versions not stated): TOPMed below 0.00001; ExAC 0.00002; gnomAD exomes 0.00002.
gnomAD v4.1: 9 of 1,614,116 alleles (0.00056%); highest among the groups gnomAD compares: Admixed American, 0.015%; no homozygotes.

Submissions (2):

Labcorp Genetics (formerly Invitae), Labcorp
Classification: Uncertain significance. Last evaluated: 2024-10-07. Review status: criteria provided, single submitter. Criteria: Invitae Variant Classification Sherloc (09022015). Collection method: clinical testing. Allele origin: germline.
Comment: This sequence change replaces alanine, which is neutral and non-polar, with serine, which is neutral and polar, at codon 264 of the RDH11 protein (p.Ala264Ser). This variant is present in population databases (rs758243239, gnomAD 0.02%). This variant has not been reported in the literature in individuals affected with RDH11-related conditions. ClinVar contains an entry for this variant (Variation ID: 853465). An algorithm developed to predict the effect of missense changes on protein structure and function (PolyPhen-2) suggests that this variant is likely to be disruptive. In summary, the available evidence is currently insufficient to determine the role of this variant in disease. Therefore, it has been classified as a Variant of Uncertain Significance.

Blueprint Genetics
Classification: Uncertain significance. Last evaluated: 2019-08-09. Review status: criteria provided, single submitter. Criteria: ACMG Guidelines, 2015. Collection method: clinical testing. Allele origin: germline.